The following is an entry in ClinVar:

NM_016156.6(MTMR2):c.629A>G (p.Asp210Gly)

Gene: MTMR2 (myotubularin related protein 2; minus strand). Cytogenetic location: 11q21.
Variant type: single nucleotide variant.
Coding change: c.629A>G on transcript NM_016156.6 (MANE Select); coding-DNA position 629, A replaced by G.
Protein change: p.Asp210Gly; replaces aspartic acid 210 with glycine.
Molecular consequence: missense variant.
Genome position (GRCh38, 1-based): chr11:95,857,577, T>C on the plus strand (A>G on the coding strand, the complement: MTMR2 is on the minus strand). VCF-style: chr11-95857577-T-C. GRCh37 (hg19) VCF-style: chr11-95590741-T-C.
Other names: c.629A>G (NM_016156.5); c.413A>G, p.Asp138Gly (NM_001243571.2, NM_201278.3, NM_201281.3); short protein forms D138G, D210G.
Identifiers: ClinVar variation 1022294 (VCV001022294.14), dbSNP rs753316100, ClinGen allele CA6240285.

ClinVar aggregate classification (germline): Uncertain significance. Review status: criteria provided, multiple submitters, no conflicts (2 of 4 stars). 4 submissions from 4 submitters: Uncertain significance (4). Last evaluated 2026-03-23.

Conditions:
Inborn genetic diseases. Identifiers: MedGen C0950123, MeSH D030342.
Charcot-Marie-Tooth disease type 4. Also called: Charcot-Marie-Tooth disease, type IV; Charcot-Marie-Tooth, Type 4. Identifiers: Orphanet 64749, MedGen C4082197, MONDO:0018995.

Allele frequency attached by ClinVar (database versions not stated): gnomAD exomes 0.00003 and 0.00005; TOPMed 0.00003; ExAC 0.00005.
gnomAD v4.1: 18 of 1,612,028 alleles (0.0011%); highest among the groups gnomAD compares: Admixed American, 0.03%; no homozygotes.

Submissions (4):

Women's Health and Genetics/Laboratory Corporation of America, LabCorp
Classification: Uncertain significance. Last evaluated: 2026-03-23. Review status: criteria provided, single submitter. Criteria: LabCorp Variant Classification Summary - May 2015. Collection method: clinical testing. Allele origin: germline.
Comment: Variant summary: MTMR2 c.629A>G (p.Asp210Gly) results in a non-conservative amino acid change in the encoded protein sequence. Algorithms developed to predict the effect of missense changes on protein structure and function all suggest that this variant is likely to be disruptive. The variant allele was found at a frequency of 4.8e-05 in 250484 control chromosomes. This frequency is not significantly higher than estimated for disease-causing variants in MTMR2, allowing no conclusion about variant significance. To our knowledge, no occurrence of c.629A>G in individuals affected with MTMR2-related conditions and no experimental evidence demonstrating its impact on protein function have been reported. ClinVar contains an entry for this variant (Variation ID: 1022294). Based on the evidence outlined above, the variant was classified as uncertain significance.

Ambry Genetics
Classification: Uncertain significance for Inborn genetic diseases. Last evaluated: 2024-11-24. Review status: criteria provided, single submitter. Criteria: Ambry Variant Classification Scheme 2023. Collection method: clinical testing. Allele origin: germline.

GeneDx
Classification: Uncertain significance. Last evaluated: 2022-09-19. Review status: criteria provided, single submitter. Criteria: GeneDx Variant Classification Process June 2021. Collection method: clinical testing. Allele origin: germline. Affected: yes.
Comment: In silico analysis supports that this missense variant has a deleterious effect on protein structure/function; Has not been previously published as pathogenic or benign to our knowledge; This variant is associated with the following publications: (PMID: 23962696)

Labcorp Genetics (formerly Invitae), Labcorp
Classification: Uncertain significance for Charcot-Marie-Tooth disease type 4. Last evaluated: 2021-04-04. Review status: criteria provided, single submitter. Criteria: Invitae Variant Classification Sherloc (09022015). Collection method: clinical testing. Allele origin: germline.
Comment: In summary, the available evidence is currently insufficient to determine the role of this variant in disease. Therefore, it has been classified as a Variant of Uncertain Significance. Advanced modeling of protein sequence and biophysical properties (such as structural, functional, and spatial information, amino acid conservation, physicochemical variation, residue mobility, and thermodynamic stability) performed at Invitae indicates that this missense variant is not expected to disrupt MTMR2 protein function. This variant has not been reported in the literature in individuals with MTMR2-related conditions. This variant is present in population databases (rs753316100, ExAC 0.05%). This sequence change replaces aspartic acid with glycine at codon 210 of the MTMR2 protein (p.Asp210Gly). The aspartic acid residue is moderately conserved and there is a moderate physicochemical difference between aspartic acid and glycine.